The following is an entry in ClinVar:

ClinVar aggregate classification (germline): Uncertain significance (1 of 4 stars; one submission).

Conditions:
POLD1-related polyposis and colorectal cancer syndrome (CRCS10). Also called: Colorectal cancer 10; COLORECTAL CANCER, SUSCEPTIBILITY TO, ON CHROMOSOME 19q; Colorectal cancer, susceptibility to, 10. Identifiers: Orphanet 220460, MedGen C2675481, MONDO:0012953, OMIM 612591.

Submission:

Labcorp Genetics (formerly Invitae), Labcorp
Classification: Uncertain significance for POLD1-related polyposis and colorectal cancer syndrome. Last evaluated: 2022-10-24. Review status: criteria provided, single submitter. Criteria: Invitae Variant Classification Sherloc (09022015). Collection method: clinical testing. Allele origin: germline.
Comment: This sequence change falls in intron 26 of the POLD1 gene. It does not directly change the encoded amino acid sequence of the POLD1 protein. It affects a nucleotide within the consensus splice site. In summary, the available evidence is currently insufficient to determine the role of this variant in disease. Therefore, it has been classified as a Variant of Uncertain Significance. Variants that disrupt the consensus splice site are a relatively common cause of aberrant splicing (PMID: 17576681, 9536098). Algorithms developed to predict the effect of sequence changes on RNA splicing suggest that this variant may disrupt the consensus splice site. This variant has not been reported in the literature in individuals affected with POLD1-related conditions. This variant is not present in population databases (gnomAD no frequency).

Literature cited by the submitters: PubMed 17576681; PubMed 9536098.

NM_002691.4(POLD1):c.3219-1G>C

Gene: POLD1 (DNA polymerase delta 1, catalytic subunit; plus strand). Cytogenetic location: 19q13.33.
Variant type: single nucleotide variant.
Coding change: c.3219-1G>C on transcript NM_002691.4 (MANE Select); the canonical splice acceptor site of the intron before coding-DNA position 3219, G replaced by C.
Molecular consequence: splice acceptor variant.
Genome position (GRCh38, 1-based): chr19:50,417,841, G>C. VCF-style: chr19-50417841-G-C. GRCh37 (hg19) VCF-style: chr19-50921098-G-C.
Other names: c.3219-1G>C (NM_001256849.1); c.3297-1G>C (NM_001308632.1).
Identifiers: ClinVar variation 2133414 (VCV002133414.4), dbSNP rs2514086744, ClinGen allele CA406987656.